The following is an entry in ClinVar:

ClinVar aggregate classification (germline): Uncertain significance (1 of 4 stars; one submission).

Submission:

Women's Health and Genetics/Laboratory Corporation of America, LabCorp
Classification: Uncertain significance. Last evaluated: 2025-10-16. Review status: criteria provided, single submitter. Criteria: LabCorp Variant Classification Summary - May 2015. Collection method: clinical testing. Allele origin: germline.
Comment: Variant summary: The variant involves the duplication of exons 1-2 in the GJB1 gene. A presumed nomenclature of c.(?_-129)_(*958_?)dup has been designated for the purposes of this classification. This duplication includes the entire coding sequence of the gene. As exact breakpoints are unknown, it may extend beyond the annotated region of the gene, to include other flanking genes. The duplication of the GJB1 gene in isolation was absent in 94559 control chromosomes in the gnomAD database (Structural Variants v4.1 dataset). To our knowledge, no occurrence of c.(?_-129)_(*958_?)dup in individuals affected with GJB1-related conditions and no experimental evidence demonstrating its impact on protein function have been reported. No submitters have cited clinical-significance assessments for this variant to ClinVar. Based on the evidence outlined above, the variant was classified as uncertain significance.

NC_000023.10:g.(?_70443073)_(70445367_?)dup

Gene: GJB1 (gap junction protein beta 1; plus strand). Cytogenetic location: Xq13.1.
Variant type: Duplication.
Identifiers: ClinVar variation 4687253 (VCV004687253.1).